The following is an entry in ClinVar:

NM_004999.4(MYO6):c.2837G>A (p.Arg946His)

Gene: MYO6 (myosin VI; plus strand). Cytogenetic location: 6q14.1.
Variant type: single nucleotide variant.
Coding change: c.2837G>A on transcript NM_004999.4 (MANE Select); coding-DNA position 2837, G replaced by A.
Protein change: p.Arg946His; replaces arginine 946 with histidine.
Molecular consequence: missense variant. On other transcripts: non-coding transcript variant (1).
Genome position (GRCh38, 1-based): chr6:75,890,235, G>A. VCF-style: chr6-75890235-G-A. GRCh37 (hg19) VCF-style: chr6-76599952-G-A.
Other names: c.2837G>A, p.Arg946His (NM_001300899.2, NM_001368136.1, NM_001368137.1 and 2 more transcripts); c.2822G>A, p.Arg941His (NM_001368138.1); short protein forms R946H, R941H.
Identifiers: ClinVar variation 504988 (VCV000504988.10), dbSNP rs781754117, ClinGen allele CA3897468.

ClinVar aggregate classification (germline): Uncertain significance. Review status: criteria provided, multiple submitters, no conflicts (2 of 4 stars). 4 submissions from 4 submitters: Uncertain significance (4). Last evaluated 2024-04-02.

Conditions:
Autosomal dominant nonsyndromic hearing loss 22. Also called: DFNA 22; Autosomal dominant nonsyndromic deafness 22. Identifiers: Orphanet 228012, MedGen C2931767, MONDO:0011660, OMIM 606346.
Autosomal recessive nonsyndromic hearing loss 37. Identifiers: Orphanet 90636, MedGen C1843028, MONDO:0011912, OMIM 607821.

Allele frequency attached by ClinVar (database versions not stated): ExAC 0.00001; gnomAD 0.00001; gnomAD exomes 0.00002 and 0.00003; TOPMed 0.00003.
gnomAD v4.1: 52 of 1,612,768 alleles (0.0032%); highest among the groups gnomAD compares: Non-Finnish European, 0.0039%; no homozygotes.

Submissions (4):

Labcorp Genetics (formerly Invitae), Labcorp
Classification: Uncertain significance. Last evaluated: 2024-04-02. Review status: criteria provided, single submitter. Criteria: Invitae Variant Classification Sherloc (09022015). Collection method: clinical testing. Allele origin: germline.
Comment: This sequence change replaces arginine, which is basic and polar, with histidine, which is basic and polar, at codon 946 of the MYO6 protein (p.Arg946His). This variant is present in population databases (rs781754117, gnomAD 0.004%). This variant has not been reported in the literature in individuals affected with MYO6-related conditions. ClinVar contains an entry for this variant (Variation ID: 504988). Advanced modeling of protein sequence and biophysical properties (such as structural, functional, and spatial information, amino acid conservation, physicochemical variation, residue mobility, and thermodynamic stability) performed at Invitae indicates that this missense variant is not expected to disrupt MYO6 protein function with a negative predictive value of 80%. In summary, the available evidence is currently insufficient to determine the role of this variant in disease. Therefore, it has been classified as a Variant of Uncertain Significance.

GeneDx
Classification: Uncertain significance. Last evaluated: 2022-04-11. Review status: criteria provided, single submitter. Criteria: GeneDx Variant Classification Process June 2021. Collection method: clinical testing. Allele origin: germline. Affected: yes.
Comment: In silico analysis supports that this missense variant has a deleterious effect on protein structure/function; Has not been previously published as pathogenic or benign to our knowledge

Fulgent Genetics
Classification: Uncertain significance for Autosomal dominant nonsyndromic hearing loss 22; Autosomal recessive nonsyndromic hearing loss 37. Last evaluated: 2021-11-05. Review status: criteria provided, single submitter. Criteria: ACMG Guidelines, 2015. Collection method: clinical testing. Allele origin: unknown.

Laboratory for Molecular Medicine, Mass General Brigham Personalized Medicine
Classification: Uncertain significance. Last evaluated: 2016-04-25. Review status: criteria provided, single submitter. Criteria: LMM Criteria. Collection method: clinical testing. Allele origin: germline. Observed: 1 variant allele.
Comment: Variant classified as Uncertain Significance - Favor Benign. The p.Arg946His var iant in MYO6 has not been previously reported in individuals with hearing loss, but has been identified in 1/66074 European chromosomes by the Exome Aggregation Consortium (ExAC; dbSNP rs781754117). Arginine (Arg) at position 946 is not conserved in mammals or evolutionarily distant spec ies and two mammals (naked mole rat and hedgehog) carry a Histidine (His), raisi ng the possibility that this change may be tolerated. Additional computational prediction tools suggest that the p.Arg946His variant may not impact the protein , though this information is not predictive enough to rule out pathogenicity. In summary, while the clinical significance of the p.Arg946His variant is uncertai n, these data suggest that it is more likely to be benign.